The following is an entry in ClinVar:

NM_004364.5(CEBPA):c.863G>C (p.Arg288Pro)

Gene: CEBPA (CCAAT enhancer binding protein alpha; minus strand). Cytogenetic location: 19q13.11.
Variant type: single nucleotide variant.
Coding change: c.863G>C on transcript NM_004364.5 (MANE Select); coding-DNA position 863, G replaced by C.
Protein change: p.Arg288Pro; replaces arginine 288 with proline.
Molecular consequence: missense variant.
Genome position (GRCh38, 1-based): chr19:33,301,552, C>G on the plus strand (G>C on the coding strand, the complement: CEBPA is on the minus strand). VCF-style: chr19-33301552-C-G. GRCh37 (hg19) VCF-style: chr19-33792458-C-G.
Other names: c.506G>C, p.Arg169Pro (NM_001285829.2); c.968G>C, p.Arg323Pro (NM_001287424.2); c.821G>C, p.Arg274Pro (NM_001287435.2); short protein forms R288P, R274P, R169P, R323P.
Identifiers: ClinVar variation 421179 (VCV000421179.11), dbSNP rs1064794962, ClinGen allele CA16620819.

ClinVar aggregate classification (germline): Uncertain significance. Review status: criteria provided, multiple submitters, no conflicts (2 of 4 stars). 3 submissions from 3 submitters: Uncertain significance (3). Last evaluated 2026-01-05.

Conditions:
Inborn genetic diseases. Identifiers: MedGen C0950123, MeSH D030342.
Acute myeloid leukemia (AML). Also called: Leukemia, acute myeloid, somatic; Leukemia, acute myelogenous, somatic; Acute myeloid leukemia, adult; AML adult; Acute non-lymphocytic leukemia; Acute granulocytic leukemia. Identifiers: Orphanet 519, MedGen C0023467, MeSH D015470, MONDO:0018874, OMIM 601626, HP:0004808. Disease mechanism: Constitutively activated FLT3.

Submissions (3):

Ambry Genetics
Classification: Uncertain significance for Inborn genetic diseases. Last evaluated: 2026-01-05. Review status: criteria provided, single submitter. Criteria: Ambry Variant Classification Scheme 2023. Collection method: clinical testing. Allele origin: germline.
Comment: The p.R288P variant (also known as c.863G>C), located in coding exon 1 of the CEBPA gene, results from a G to C substitution at nucleotide position 863. The arginine at codon 288 is replaced by proline, an amino acid with dissimilar properties. This amino acid position is highly conserved in available vertebrate species. In addition, this alteration is predicted to be deleterious by in silico analysis. Based on the available evidence, the clinical significance of this variant remains unclear.

Labcorp Genetics (formerly Invitae), Labcorp
Classification: Uncertain significance for Acute myeloid leukemia. Last evaluated: 2023-08-29. Review status: criteria provided, single submitter. Criteria: Invitae Variant Classification Sherloc (09022015). Collection method: clinical testing. Allele origin: germline.
Comment: This sequence change replaces arginine, which is basic and polar, with proline, which is neutral and non-polar, at codon 288 of the CEBPA protein (p.Arg288Pro). In summary, the available evidence is currently insufficient to determine the role of this variant in disease. Therefore, it has been classified as a Variant of Uncertain Significance. Advanced modeling of protein sequence and biophysical properties (such as structural, functional, and spatial information, amino acid conservation, physicochemical variation, residue mobility, and thermodynamic stability) performed at Invitae indicates that this missense variant is expected to disrupt CEBPA protein function. ClinVar contains an entry for this variant (Variation ID: 421179). This variant has not been reported in the literature in individuals affected with CEBPA-related conditions. This variant is not present in population databases (gnomAD no frequency).

GeneDx
Classification: Uncertain significance. Last evaluated: 2016-05-09. Review status: criteria provided, single submitter. Criteria: GeneDx Variant Classification (06012015). Collection method: clinical testing. Allele origin: germline. Affected: yes.
Comment: The R288P variant in the CEBPA gene has not been reported previously as a pathogenic variant, nor as a benign variant, to our knowledge. The R288P variant was not observed in approximately 6,500 individuals of European and African American ancestry in the NHLBI Exome Sequencing Project, indicating it is not a common benign variant in these populations. The R288P variant is a non-conservative amino acid substitution, which is likely to impact secondary protein structure as these residues differ in polarity, charge, size and/or other properties. This substitution occurs at a position that is conserved across species. In silico analysis predicts this variant is probably damaging to the protein structure/function. We interpret R288P as a variant of uncertain significance.